The following is an entry in ClinVar:

NM_000540.3(RYR1):c.7903G>A (p.Glu2635Lys)

Gene: RYR1 (ryanodine receptor 1; plus strand). Cytogenetic location: 19q13.2.
Variant type: single nucleotide variant.
Coding change: c.7903G>A on transcript NM_000540.3 (MANE Select); coding-DNA position 7903, G replaced by A.
Protein change: p.Glu2635Lys; replaces glutamic acid 2635 with lysine.
Molecular consequence: missense variant.
Genome position (GRCh38, 1-based): chr19:38,502,947, G>A. VCF-style: chr19-38502947-G-A. GRCh37 (hg19) VCF-style: chr19-38993587-G-A.
Other names: c.7903G>A, p.Glu2635Lys (NM_001042723.2); short protein forms E2635K.
Identifiers: ClinVar variation 3074509 (VCV003074509.2), dbSNP rs750282403, ClinGen allele CA308113562.
Genomic context (GRCh38, chr19:38,502,947, plus strand): 5'-CGCCCGTCGATGCTGCAGCACCTGTTGCGCCGCCTGGTGTTCGACGTGCCCATCCTCAAC[G>A]AGTTCGCCAAGATGCCACTCAAGGTGAGGGCAAGCGCTCTTTAGCATCTCATTTCCAGGC-3'
Protein context (NP_000531.2, residues 2625-2645): RLVFDVPILN[Glu2635Lys]FAKMPLKLLT

ClinVar aggregate classification (germline): Uncertain significance. Review status: criteria provided, multiple submitters, no conflicts (2 of 4 stars). 2 submissions from 2 submitters: Uncertain significance (2). Last evaluated 2025-02-26.

Conditions:
Inborn genetic diseases. Identifiers: MedGen C0950123, MeSH D030342.
Malignant hyperthermia, susceptibility to, 1 (MHS1). Also called: Anesthesia related hyperthermia; Malignant hyperpyrexia; Fulminating hyperpyrexia; Pharmacogenic myopathy; RYR1-Related Malignant Hyperthermia Susceptibility; Malignant hyperthermia suceptibility 1. Identifiers: Orphanet 423, MedGen C2930980, MONDO:0007783, OMIM 145600.

Submissions (2):

Ambry Genetics
Classification: Uncertain significance for Inborn genetic diseases. Last evaluated: 2025-02-26. Review status: criteria provided, single submitter. Criteria: Ambry Variant Classification Scheme 2023. Collection method: clinical testing. Allele origin: germline.

All of Us Research Program, National Institutes of Health
Classification: Uncertain significance for Malignant hyperthermia, susceptibility to, 1. Last evaluated: 2023-11-20. Review status: criteria provided, single submitter. Criteria: ACMG Guidelines, 2015. Collection method: clinical testing. Allele origin: germline. Inheritance: Autosomal dominant inheritance. Observed: 1 variant allele, 1 heterozygote.
Comment: This missense variant replaces glutamic acid with lysine at codon 2635 of the RYR1 protein. Computational prediction suggests that this variant may have deleterious impact on protein structure and function (internally defined REVEL score threshold >= 0.7, PMID: 27666373). To our knowledge, functional studies have not been reported for this variant. This variant has not been reported in individuals affected with RYR1-related disorders in the literature. This variant has not been identified in the general population by the Genome Aggregation Database (gnomAD). The available evidence is insufficient to determine the role of this variant in disease conclusively. Therefore, this variant is classified as a Variant of Uncertain Significance.

This study involves interpretation of variants in research participants for the purpose of population health screening. Participant phenotype was not available at the time of variant classification. Additional details can be found in publication PMID: 35346344, PMCID: PMC8962531